The following is an entry in ClinVar:

ClinVar aggregate classification (germline): Uncertain significance (1 of 4 stars; one submission).

Allele frequency attached by ClinVar (database versions not stated): ExAC 0.00001.
gnomAD v4.1: 1 of 1,613,286 alleles (0.000062%); no homozygotes.

Submission:

Ambry Genetics
Classification: Uncertain significance. Last evaluated: 2021-12-06. Review status: criteria provided, single submitter. Criteria: Ambry Variant Classification Scheme 2023. Collection method: clinical testing. Allele origin: germline.
Comment: The p.N91I variant (also known as c.272A>T), located in coding exon 3 of the ALPK2 gene, results from an A to T substitution at nucleotide position 272. The asparagine at codon 91 is replaced by isoleucine, an amino acid with dissimilar properties. This amino acid position is conserved. In addition, this alteration is predicted to be tolerated by in silico analysis. Since supporting evidence is limited at this time, the clinical significance of this alteration remains unclear.

NM_052947.4(ALPK2):c.272A>T (p.Asn91Ile)

Gene: ALPK2 (alpha kinase 2; minus strand). Cytogenetic location: 18q21.31.
Variant type: single nucleotide variant.
Coding change: c.272A>T on transcript NM_052947.4 (MANE Select); coding-DNA position 272, A replaced by T.
Protein change: p.Asn91Ile; replaces asparagine 91 with isoleucine.
Molecular consequence: missense variant.
Genome position (GRCh38, 1-based): chr18:58,580,504, T>A on the plus strand (A>T on the coding strand, the complement: ALPK2 is on the minus strand). VCF-style: chr18-58580504-T-A. GRCh37 (hg19) VCF-style: chr18-56247736-T-A.
Other names: short protein forms N91I.
Identifiers: ClinVar variation 1795270 (VCV001795270.2), dbSNP rs769220752, ClinGen allele CA8977479.